The following is an entry in ClinVar:

NM_020937.4(FANCM):c.5046T>G (p.Asp1682Glu)

Gene: FANCM (FA complementation group M; plus strand). Cytogenetic location: 14q21.2.
Variant type: single nucleotide variant.
Coding change: c.5046T>G on transcript NM_020937.4 (MANE Select); coding-DNA position 5046, T replaced by G.
Protein change: p.Asp1682Glu; replaces aspartic acid 1682 with glutamic acid.
Molecular consequence: missense variant.
Genome position (GRCh38, 1-based): chr14:45,189,068, T>G. VCF-style: chr14-45189068-T-G. GRCh37 (hg19) VCF-style: chr14-45658271-T-G.
Other names: c.4968T>G, p.Asp1656Glu (NM_001308133.2); c.5046T>G (LRG_502t1); short protein forms D1656E, D1682E.
Identifiers: ClinVar variation 648994 (VCV000648994.10), dbSNP rs1302536129, ClinGen allele CA389612130.
Genomic context (GRCh38, chr14:45,189,068, plus strand): 5'-GAAATTATCCAGAATTATTTTACCAGATGATTCAAGTGAGGAGGAGAACAATGTAAATGA[T>G]AAAAGAGAATCTAATATTGCGGTTAACCCAAGCACTGTTAAGAAGAACAAACAACAGGAC-3'
Protein context (NP_065988.1, residues 1672-1692): DSSEEENNVN[Asp1682Glu]KRESNIAVNP

ClinVar aggregate classification (germline): Uncertain significance. Review status: criteria provided, multiple submitters, no conflicts (2 of 4 stars). 3 submissions from 3 submitters: Uncertain significance (3). Last evaluated 2025-08-07.

Conditions:
Fanconi anemia (FA). Also called: Fanconi's anemia. Identifiers: Orphanet 84, MedGen C0015625, MeSH D005199, MONDO:0019391.
Inborn genetic diseases. Identifiers: MedGen C0950123, MeSH D030342.

Submissions (3):

Labcorp Genetics (formerly Invitae), Labcorp
Classification: Uncertain significance for Fanconi anemia. Last evaluated: 2025-08-07. Review status: criteria provided, single submitter. Criteria: Invitae Variant Classification Sherloc (09022015). Collection method: clinical testing. Allele origin: germline.
Comment: This sequence change replaces aspartic acid, which is acidic and polar, with glutamic acid, which is acidic and polar, at codon 1682 of the FANCM protein (p.Asp1682Glu). This variant is not present in population databases (gnomAD no frequency). This variant has not been reported in the literature in individuals affected with FANCM-related conditions. ClinVar contains an entry for this variant (Variation ID: 648994). An algorithm developed to predict the effect of missense changes on protein structure and function outputs the following: PolyPhen-2: "Benign". The glutamic acid amino acid residue is found in multiple mammalian species, which suggests that this missense change does not adversely affect protein function. In summary, the available evidence is currently insufficient to determine the role of this variant in disease. Therefore, it has been classified as a Variant of Uncertain Significance.

GeneDx
Classification: Uncertain significance. Last evaluated: 2025-05-15. Review status: criteria provided, single submitter. Criteria: GeneDx Variant Classification Process June 2021. Collection method: clinical testing. Allele origin: germline. Affected: yes.
Comment: Not observed at significant frequency in large population cohorts (gnomAD); In silico analysis suggests that this missense variant does not alter protein structure/function; Has not been previously published as pathogenic or benign to our knowledge

Ambry Genetics
Classification: Uncertain significance for Inborn genetic diseases. Last evaluated: 2025-03-22. Review status: criteria provided, single submitter. Criteria: Ambry Variant Classification Scheme 2023. Collection method: clinical testing. Allele origin: germline.
Comment: The p.D1682E variant (also known as c.5046T>G), located in coding exon 20 of the FANCM gene, results from a T to G substitution at nucleotide position 5046. The aspartic acid at codon 1682 is replaced by glutamic acid, an amino acid with highly similar properties. This amino acid position is conserved. In addition, this alteration is predicted to be tolerated by in silico analysis. Based on the available evidence, the clinical significance of this variant remains unclear.